The following is an entry in ClinVar:

NM_005188.4(CBL):c.1792G>A (p.Val598Ile)

Gene: CBL (Cbl proto-oncogene; plus strand). Cytogenetic location: 11q23.3.
Variant type: single nucleotide variant.
Coding change: c.1792G>A on transcript NM_005188.4 (MANE Select); coding-DNA position 1792, G replaced by A.
Protein change: p.Val598Ile; replaces valine 598 with isoleucine.
Molecular consequence: missense variant.
Genome position (GRCh38, 1-based): chr11:119,285,417, G>A. VCF-style: chr11-119285417-G-A. GRCh37 (hg19) VCF-style: chr11-119156127-G-A.
Other names: c.1792G>A (NM_005188.2); short protein forms V598I.
Identifiers: ClinVar variation 2162088 (VCV002162088.5), dbSNP rs759558934, ClinGen allele CA6318608.
Genomic context (GRCh38, chr11:119,285,417, plus strand): 5'-CTGCCCCCTGTCCCCTCTAGCCGCCTTGGAGACTCATGGCTGCCCCGGCCAATCCCCAAA[G>A]TACCAGTATCTGCCCCAAGTTCCAGTGATCCCTGGACAGGAAGAGAATTAACCAACCGGC-3'
Protein context (NP_005179.2, residues 588-608): DSWLPRPIPK[Val598Ile]PVSAPSSSDP

ClinVar aggregate classification (germline): Uncertain significance. Review status: criteria provided, multiple submitters, no conflicts (2 of 4 stars). 2 submissions from 2 submitters: Uncertain significance (2). Last evaluated 2024-12-15.

Conditions:
Cardiovascular phenotype. Identifiers: MedGen CN230736.
RASopathy. Also called: rasopathies; Noonan spectrum disorder. Identifiers: Orphanet 536391, MedGen C5555857, MONDO:0021060.

Allele frequency attached by ClinVar (database versions not stated): ExAC 0.00001; gnomAD exomes 0.00001.
gnomAD v4.1: 3 of 1,614,142 alleles (0.00019%); highest among the groups gnomAD compares: Admixed American, 0.005%; no homozygotes.

Submissions (2):

Ambry Genetics
Classification: Uncertain significance for Cardiovascular phenotype. Last evaluated: 2024-12-15. Review status: criteria provided, single submitter. Criteria: Ambry Variant Classification Scheme 2023. Collection method: clinical testing. Allele origin: germline.
Comment: The p.V598I variant (also known as c.1792G>A), located in coding exon 11 of the CBL gene, results from a G to A substitution at nucleotide position 1792. The valine at codon 598 is replaced by isoleucine, an amino acid with highly similar properties. This amino acid position is conserved. In addition, this alteration is predicted to be tolerated by in silico analysis. Based on the available evidence, the clinical significance of this variant remains unclear.

Labcorp Genetics (formerly Invitae), Labcorp
Classification: Uncertain significance for RASopathy. Last evaluated: 2024-03-07. Review status: criteria provided, single submitter. Criteria: Invitae Variant Classification Sherloc (09022015). Collection method: clinical testing. Allele origin: germline.
Comment: This sequence change replaces valine, which is neutral and non-polar, with isoleucine, which is neutral and non-polar, at codon 598 of the CBL protein (p.Val598Ile). This variant is present in population databases (rs759558934, gnomAD 0.009%). This variant has not been reported in the literature in individuals affected with CBL-related conditions. ClinVar contains an entry for this variant (Variation ID: 2162088). Advanced modeling of protein sequence and biophysical properties (such as structural, functional, and spatial information, amino acid conservation, physicochemical variation, residue mobility, and thermodynamic stability) performed at Invitae indicates that this missense variant is not expected to disrupt CBL protein function with a negative predictive value of 95%. In summary, the available evidence is currently insufficient to determine the role of this variant in disease. Therefore, it has been classified as a Variant of Uncertain Significance.